The following is an entry in ClinVar:

NM_020791.4(TAOK1):c.600A>G (p.Gly200=)

Gene: TAOK1 (TAO kinase 1; plus strand). Cytogenetic location: 17q11.2.
Variant type: single nucleotide variant.
Coding change: c.600A>G on transcript NM_020791.4 (MANE Select); coding-DNA position 600, A replaced by G.
Protein change: p.Gly200=; no amino-acid change (glycine 200 retained).
Molecular consequence: synonymous variant.
Genome position (GRCh38, 1-based): chr17:29,482,233, A>G. VCF-style: chr17-29482233-A-G. GRCh37 (hg19) VCF-style: chr17-27809251-A-G.
Other names: c.600A>G, p.Gly200= (NM_025142.1).
Identifiers: ClinVar variation 3770767 (VCV003770767.13).

ClinVar aggregate classification (germline): Likely benign (1 of 4 stars; one submission).

gnomAD v4.1: 40 of 1,612,800 alleles (0.0025%); highest among the groups gnomAD compares: Middle Eastern, 0.13%; 1 homozygote.

Submission:

CeGaT Center for Human Genetics Tuebingen
Classification: Likely benign. Last evaluated: 2024-12-01. Review status: criteria provided, single submitter. Criteria: CeGaT Center For Human Genetics Tuebingen Variant Classification Criteria Version 2. Collection method: clinical testing. Allele origin: germline. Affected: yes. Observed: 1 variant allele.
Comment: TAOK1: BP4, BP7